The following is an entry in ClinVar:

NM_001365536.1(SCN9A):c.4654G>A (p.Val1552Met)

Genes: SCN9A (sodium voltage-gated channel alpha subunit 9; minus strand), SCN1A-AS1 (SCN1A and SCN9A antisense RNA 1; plus strand). Cytogenetic location: 2q24.3.
Variant type: single nucleotide variant.
Coding change: c.4654G>A on transcript NM_001365536.1 (MANE Select); coding-DNA position 4654, G replaced by A.
Protein change: p.Val1552Met; replaces valine 1552 with methionine.
Molecular consequence: missense variant.
Genome position (GRCh38, 1-based): chr2:166,204,075, C>T on the plus strand (G>A on the coding strand, the complement: SCN9A is on the minus strand). VCF-style: chr2-166204075-C-T. GRCh37 (hg19) VCF-style: chr2-167060585-C-T.
Other names: c.4621G>A, p.Val1541Met (NM_002977.4); short protein forms V1541M, V1552M.
Identifiers: ClinVar variation 1055829 (VCV001055829.9), dbSNP rs1235052295, ClinGen allele CA349057535.
Genomic context (GRCh38, chr2:166,204,075, plus strand): 5'-AGTGTCTGAGGGAGATCAGTTTTAGCACACATTCTCCAGTGAAAAGGATTATAAAAACCA[C>T]ATTTATCCAATATAAAACTTCAGTCATATGTTGACTTTGACCCTCCTTTTCTACCATCAT-3'
Protein context (NP_001352465.1, residues 1542-1562): HMTEVLYWIN[Val1552Met]VFIILFTGEC

ClinVar aggregate classification (germline): Uncertain significance (1 of 4 stars; one submission).

Conditions:
Generalized epilepsy with febrile seizures plus, type 7 (GEFSP7). Also called: GEFS+, TYPE 7. Identifiers: Orphanet 36387, MedGen C2751778, MONDO:0013470, OMIM 613863.
Neuropathy, hereditary sensory and autonomic, type 2A (HSAN2A). Also called: HSAN IIA; ACROOSTEOLYSIS, GIACCAI TYPE; ACROOSTEOLYSIS, NEUROGENIC; MORVAN DISEASE; NEUROPATHY, CONGENITAL SENSORY; NEUROPATHY, HEREDITARY SENSORY RADICULAR, AUTOSOMAL RECESSIVE. Identifiers: Orphanet 970, MedGen C2752089, MONDO:0024309, OMIM 201300.

Allele frequency attached by ClinVar (database versions not stated): gnomAD exomes below 0.00001; TOPMed below 0.00001; gnomAD 0.00001.
gnomAD v4.1: 3 of 1,612,472 alleles (0.00019%); highest among the groups gnomAD compares: African/African-American, 0.004%; no homozygotes.

Submission:

Labcorp Genetics (formerly Invitae), Labcorp
Classification: Uncertain significance for Neuropathy, hereditary sensory and autonomic, type 2A; Generalized epilepsy with febrile seizures plus, type 7. Last evaluated: 2025-10-27. Review status: criteria provided, single submitter. Criteria: Invitae Variant Classification Sherloc (09022015). Collection method: clinical testing. Allele origin: germline.
Comment: This sequence change replaces valine, which is neutral and non-polar, with methionine, which is neutral and non-polar, at codon 1541 of the SCN9A protein (p.Val1541Met). This variant is not present in population databases (gnomAD no frequency). This variant has not been reported in the literature in individuals affected with SCN9A-related conditions. ClinVar contains an entry for this variant (Variation ID: 1055829). Invitae Evidence Modeling of protein sequence and biophysical properties (such as structural, functional, and spatial information, amino acid conservation, physicochemical variation, residue mobility, and thermodynamic stability) indicates that this missense variant is not expected to disrupt SCN9A protein function with a negative predictive value of 95%. In summary, the available evidence is currently insufficient to determine the role of this variant in disease. Therefore, it has been classified as a Variant of Uncertain Significance.